The following is an entry in ClinVar:

ClinVar aggregate classification (germline): Uncertain significance. Review status: criteria provided, multiple submitters, no conflicts (2 of 4 stars). 2 submissions from 2 submitters: Uncertain significance (2). Last evaluated 2024-08-05.

Conditions:
Joubert syndrome. Also called: JOUBERT-BOLTSHAUSER SYNDROME; Familial aplasia of the vermis. Identifiers: Orphanet 475, MedGen C5979921, MONDO:0018772.
Meckel-Gruber syndrome. Also called: DYSENCEPHALIA SPLANCHNOCYSTICA; GRUBER SYNDROME; Dysencephalia splachnocystica. Identifiers: Orphanet 564, MedGen C0265215, MONDO:0018921.

Allele frequency attached by ClinVar (database versions not stated): gnomAD 0.00001; TOPMed 0.00002; gnomAD exomes 0.00003.
gnomAD v4.1: 41 of 1,612,310 alleles (0.0025%); highest among the groups gnomAD compares: Middle Eastern, 0.016%; no homozygotes.

Submissions (2):

GeneDx
Classification: Uncertain significance. Last evaluated: 2024-08-05. Review status: criteria provided, single submitter. Criteria: GeneDx Variant Classification Process June 2021. Collection method: clinical testing. Allele origin: germline. Affected: yes.
Comment: Not observed at significant frequency in large population cohorts (gnomAD); In silico analysis supports that this missense variant has a deleterious effect on protein structure/function; Has not been previously published as pathogenic or benign to our knowledge

Labcorp Genetics (formerly Invitae), Labcorp
Classification: Uncertain significance for Joubert syndrome; Meckel-Gruber syndrome. Last evaluated: 2021-08-14. Review status: criteria provided, single submitter. Criteria: Invitae Variant Classification Sherloc (09022015). Collection method: clinical testing. Allele origin: germline.
Comment: This sequence change replaces arginine with glutamine at codon 1049 of the CC2D2A protein (p.Arg1049Gln). The arginine residue is highly conserved and there is a small physicochemical difference between arginine and glutamine. This variant is not present in population databases (ExAC no frequency). This variant has not been reported in the literature in individuals affected with CC2D2A-related conditions. Advanced modeling of protein sequence and biophysical properties (such as structural, functional, and spatial information, amino acid conservation, physicochemical variation, residue mobility, and thermodynamic stability) performed at Invitae indicates that this missense variant is expected to disrupt CC2D2A protein function. In summary, the available evidence is currently insufficient to determine the role of this variant in disease. Therefore, it has been classified as a Variant of Uncertain Significance.

NM_001378615.1(CC2D2A):c.3146G>A (p.Arg1049Gln)

Genes: CC2D2A (coiled-coil and C2 domain containing 2A; plus strand), FBXL5 (F-box and leucine rich repeat protein 5; minus strand). Cytogenetic location: 4p15.32.
Variant type: single nucleotide variant.
Coding change: c.3146G>A on transcript NM_001378615.1 (MANE Select); coding-DNA position 3146, G replaced by A.
Protein change: p.Arg1049Gln; replaces arginine 1049 with glutamine.
Molecular consequence: missense variant.
Genome position (GRCh38, 1-based): chr4:15,563,486, G>A. VCF-style: chr4-15563486-G-A. GRCh37 (hg19) VCF-style: chr4-15565109-G-A.
Other names: c.3146G>A, p.Arg1049Gln (NM_001080522.2); c.2999G>A, p.Arg1000Gln (NM_001378617.1); short protein forms R1000Q, R1049Q.
Identifiers: ClinVar variation 1429664 (VCV001429664.6), dbSNP rs1192970855, ClinGen allele CA356416161.
Genomic context (GRCh38, chr4:15,563,486, plus strand): 5'-AGAAGGTGACAGCCCAAAACCTGTCTGATGGAGACATAAAGCTGCTGGTGAACATTGTGC[G>A]AGCTTACGACATTCCAGTGAGGAAGCCGGCAGTGAGGTGAGAGCCCTCCCAACAGCCCGA-3'
Protein context (NP_001365544.1, residues 1039-1059): GDIKLLVNIV[Arg1049Gln]AYDIPVRKPA